The following is an entry in ClinVar:

ClinVar aggregate classification (germline): Uncertain significance (1 of 4 stars; one submission).

Submission:

GeneDx
Classification: Uncertain significance. Last evaluated: 2019-11-20. Review status: criteria provided, single submitter. Criteria: GeneDx Variant Classification Process June 2021. Collection method: clinical testing. Allele origin: germline. Affected: yes.
Comment: Has not been previously published as pathogenic or benign to our knowledge; Not observed in large population cohorts (Lek et al., 2016); In silico analysis, which includes protein predictors and evolutionary conservation, supports that this variant does not alter protein structure/function

NM_024422.6(DSC2):c.2549C>G (p.Ala850Gly)

Gene: DSC2 (desmocollin 2; minus strand). Cytogenetic location: 18q12.1.
Variant type: single nucleotide variant.
Coding change: c.2549C>G on transcript NM_024422.6 (MANE Select); coding-DNA position 2549, C replaced by G.
Protein change: p.Ala850Gly; replaces alanine 850 with glycine.
Molecular consequence: missense variant. On other transcripts: 3 prime UTR variant (1).
Genome position (GRCh38, 1-based): chr18:31,068,172, G>C on the plus strand (C>G on the coding strand, the complement: DSC2 is on the minus strand). VCF-style: chr18-31068172-G-C. GRCh37 (hg19) VCF-style: chr18-28648138-G-C.
Other names: c.*51C>G (NM_004949.5); short protein forms A850G.
Identifiers: ClinVar variation 1310522 (VCV001310522.2), dbSNP rs2144781303, ClinGen allele CA402110741.
Genomic context (GRCh38, chr18:31,068,172, plus strand): 5'-CCTACAGACCCAGCCACCGATCCTCTTCCTTCATAGTTATATGTCAGGACATAGTCTTGG[G>C]CATGCTTGTGATTTTCATCTTGATTACACAGATACACTTTCTGCCAAGGGGAAAAACACA-3'
Protein context (NP_077740.1, residues 840-860): LCNQDENHKH[Ala850Gly]QDYVLTYNYE